The following is an entry in ClinVar:

NM_005751.5(AKAP9):c.3991C>T (p.Leu1331Phe)

Gene: AKAP9 (A-kinase anchoring protein 9; plus strand). Cytogenetic location: 7q21.2.
Variant type: single nucleotide variant.
Coding change: c.3991C>T on transcript NM_005751.5 (MANE Select); coding-DNA position 3991, C replaced by T.
Protein change: p.Leu1331Phe; replaces leucine 1331 with phenylalanine.
Molecular consequence: missense variant.
Genome position (GRCh38, 1-based): chr7:92,022,852, C>T. VCF-style: chr7-92022852-C-T. GRCh37 (hg19) VCF-style: chr7-91652166-C-T.
Other names: c.3991C>T, p.Leu1331Phe (NM_147185.3); short protein forms L1331F.
Identifiers: ClinVar variation 1998581 (VCV001998581.4), dbSNP rs2484750163, ClinGen allele CA368127731.

ClinVar aggregate classification (germline): Uncertain significance (1 of 4 stars; one submission).

Conditions:
Long QT syndrome (LQTS). Identifiers: MedGen C0023976, MeSH D008133, MONDO:0002442. Disease mechanism: loss of function. Inheritance: Various modes of inheritance.

Submission:

Labcorp Genetics (formerly Invitae), Labcorp
Classification: Uncertain significance for Long QT syndrome. Last evaluated: 2022-05-25. Review status: criteria provided, single submitter. Criteria: Invitae Variant Classification Sherloc (09022015). Collection method: clinical testing. Allele origin: germline.
Comment: This variant is not present in population databases (gnomAD no frequency). In summary, the available evidence is currently insufficient to determine the role of this variant in disease. Therefore, it has been classified as a Variant of Uncertain Significance. Algorithms developed to predict the effect of missense changes on protein structure and function (SIFT, PolyPhen-2, Align-GVGD) all suggest that this variant is likely to be tolerated. This variant has not been reported in the literature in individuals affected with AKAP9-related conditions. This sequence change replaces leucine, which is neutral and non-polar, with phenylalanine, which is neutral and non-polar, at codon 1331 of the AKAP9 protein (p.Leu1331Phe).